The following is an entry in ClinVar:

NM_000518.5(HBB):c.307A>G (p.Asn103Asp)

Genes: HBB (hemoglobin subunit beta; minus strand), LOC110006319 (beta-globin gene 3' regulatory region; plus strand), LOC106099062 (HBB recombination region; plus strand), LOC107133510 (origin of replication at HBB; plus strand). Cytogenetic location: 11p15.4.
Variant type: single nucleotide variant.
Coding change: c.307A>G on transcript NM_000518.5 (MANE Select); coding-DNA position 307, A replaced by G.
Protein change: p.Asn103Asp; replaces asparagine 103 with aspartic acid.
Molecular consequence: missense variant.
Genome position (GRCh38, 1-based): chr11:5,226,585, T>C on the plus strand (A>G on the coding strand, the complement: HBB is on the minus strand). VCF-style: chr11-5226585-T-C. GRCh37 (hg19) VCF-style: chr11-5247815-T-C.
Other names: short protein forms N103D.
Identifiers: ClinVar variation 811863 (VCV000811863.8), dbSNP rs33927739, ClinGen allele CA379273765.

ClinVar aggregate classification (germline): Uncertain significance (1 of 4 stars; one submission).

Submission:

ARUP Laboratories, Molecular Genetics and Genomics, ARUP Laboratories
Classification: Uncertain significance. Last evaluated: 2018-12-27. Review status: criteria provided, single submitter. Criteria: ARUP Molecular Germline Variant Investigation Process. Collection method: clinical testing. Allele origin: germline.
Comment: The HBB c.307A>G; Asn102Asp variant, to our knowledge, is not reported in the medical literature or gene specific databases. This variant is also absent from general population databases (1000 Genomes Project, Exome Variant Server, and Genome Aggregation Database), indicating it is not a common polymorphism. The asparagine at codon 102 is highly conserved, and computational analyses (SIFT, PolyPhen-2) predict that this variant is deleterious, although these are low confidence predictions. Additionally, other amino acid substitutions at this codon (Tyr (Hb Saint Mande), His (Hb Canebiere), Ser Hb Beth Israel), Thr (Kansas), Lys (Hb Richmond)) have been reported in individuals with cyanosis and/or have been shown to result in reduced oxygen affinity (see link to HbVar and references therein). Due to limited information, the clinical significance of the Asn102Asp variant is uncertain at this time. References: Link to HbVar